The following is an entry in ClinVar:

NM_001377458.1(CLCC1):c.226T>G (p.Tyr76Asp)

Gene: CLCC1 (chloride channel CLIC like 1; minus strand). Cytogenetic location: 1p13.3.
Variant type: single nucleotide variant.
Coding change: c.226T>G on transcript NM_001377458.1 (MANE Select); coding-DNA position 226, T replaced by G.
Protein change: p.Tyr76Asp; replaces tyrosine 76 with aspartic acid.
Molecular consequence: missense variant. On other transcripts: 5 prime UTR variant (1), non-coding transcript variant (1), intron variant (1).
Genome position (GRCh38, 1-based): chr1:108,949,825, A>C on the plus strand (T>G on the coding strand, the complement: CLCC1 is on the minus strand). VCF-style: chr1-108949825-A-C. GRCh37 (hg19) VCF-style: chr1-109492447-A-C.
Other names: c.226T>G, p.Tyr76Asp (NM_001048210.3, NM_001278202.2, NM_001278203.1 and 11 more transcripts); c.-237T>G (NM_001377470.1); c.129+484T>G (NM_001377469.1); short protein forms Y76D.
Identifiers: ClinVar variation 1414861 (VCV001414861.6), dbSNP rs1020161832, ClinGen allele CA28593278.
Genomic context (GRCh38, chr1:108,949,825, plus strand): 5'-ATAGAGCGATTTAACATAATATAAAAATATAAAATTTATCAATAAAAAAACTAACCTTAT[A>C]AGTTAAAGAATCAAGTTTGTGATAACATTCTGATATTTCATCAGCACATGACAAGTCAGG-3'
Protein context (NP_001364387.1, residues 66-86): ECYHKLDSLT[Tyr76Asp]KIDECEKKKR

ClinVar aggregate classification (germline): Uncertain significance (1 of 4 stars; one submission).

Submission:

Labcorp Genetics (formerly Invitae), Labcorp
Classification: Uncertain significance. Last evaluated: 2024-09-06. Review status: criteria provided, single submitter. Criteria: Invitae Variant Classification Sherloc (09022015). Collection method: clinical testing. Allele origin: germline.
Comment: This sequence change replaces tyrosine, which is neutral and polar, with aspartic acid, which is acidic and polar, at codon 76 of the CLCC1 protein (p.Tyr76Asp). This variant is not present in population databases (gnomAD no frequency). This variant has not been reported in the literature in individuals affected with CLCC1-related conditions. ClinVar contains an entry for this variant (Variation ID: 1414861). An algorithm developed to predict the effect of missense changes on protein structure and function (PolyPhen-2) suggests that this variant is likely to be tolerated. In summary, the available evidence is currently insufficient to determine the role of this variant in disease. Therefore, it has been classified as a Variant of Uncertain Significance.